The following is an entry in ClinVar:

NM_001715.3(BLK):c.177C>G (p.Asp59Glu)

Gene: BLK (BLK proto-oncogene, Src family tyrosine kinase). Cytogenetic location: 8p23.1.
Variant type: single nucleotide variant.
Coding change: c.177C>G on transcript NM_001715.3 (MANE Select); coding-DNA position 177, C replaced by G.
Protein change: p.Asp59Glu; replaces aspartic acid 59 with glutamic acid.
Molecular consequence: missense variant. On other transcripts: 5 prime UTR variant (1).
Genome position (GRCh38, 1-based): chr8:11,548,033, C>G. VCF-style: chr8-11548033-C-G. GRCh37 (hg19) VCF-style: chr8-11405542-C-G.
Other names: c.-37C>G (NM_001330465.2); short protein forms D59E.
Identifiers: ClinVar variation 361475 (VCV000361475.20), dbSNP rs146083915, ClinGen allele CA4629748.

ClinVar aggregate classification (germline): Benign/Likely benign. Review status: criteria provided, multiple submitters, no conflicts (2 of 4 stars). 6 submissions from 6 submitters: Benign (3); Likely benign (3). Last evaluated 2026-01-24.

Conditions:
Maturity-onset diabetes of the young type 11. Identifiers: Orphanet 552, MedGen C3150618, MONDO:0013242, OMIM 613375.
Monogenic diabetes. Identifiers: Orphanet 183625, MedGen C3888631, MONDO:0015967.
Systemic lupus erythematosus (SLE). Identifiers: Orphanet 536, MedGen C0024141, MONDO:0007915, OMIM 152700, HP:0002725.

Allele frequency attached by ClinVar (database versions not stated): ExAC 0.00257; ESP Exome Variant Server 0.00800; gnomAD 0.00839 and 0.00891; TOPMed 0.00935; 1000 Genomes Project 0.01058; 1000 Genomes Project 30x 0.01062.
gnomAD v4.1: 2,552 of 1,613,942 alleles (0.16%); highest among the groups gnomAD compares: African/African-American, 2.8%; 29 homozygotes.

Submissions (6):

Labcorp Genetics (formerly Invitae), Labcorp
Classification: Benign. Last evaluated: 2026-01-24. Review status: criteria provided, single submitter. Criteria: Invitae Variant Classification Sherloc (09022015). Collection method: clinical testing. Allele origin: germline.

GeneDx
Classification: Likely benign. Last evaluated: 2020-09-10. Review status: criteria provided, single submitter. Criteria: GeneDx Variant Classification Process June 2021. Collection method: clinical testing. Allele origin: germline. Affected: yes.

Illumina Laboratory Services, Illumina
Classification: Likely benign for Maturity-onset diabetes of the young type 11. Last evaluated: 2017-04-27. Review status: criteria provided, single submitter. Criteria: ICSL Variant Classification Criteria 13 December 2019. Collection method: clinical testing. Allele origin: germline.
Comment: This variant was observed as part of a predisposition screen in an ostensibly healthy population. A literature search was performed for the gene, cDNA change, and amino acid change (where applicable). No publications were found based on this search. Allele frequency data from public databases allowed determination this variant is unlikely to cause disease. Therefore, this variant is classified as likely benign.

Personalized Diabetes Medicine Program, University of Maryland School of Medicine
Classification: Benign for Monogenic diabetes. Last evaluated: 2017-01-13. Review status: criteria provided, single submitter. Criteria: ACMG Guidelines, 2015. Collection method: research. Allele origin: unknown. Observed: 6 variant alleles, 6 heterozygotes. Study: Personalized Diabetes Medicine Program.
Comment: ACMG Criteria:BP4 (9 predictors), BS1 (3.9% in African in 1000g and 2.7% in ExAC), BS2 (seen in 75 controls and 66 cases in an online resource)

Breakthrough Genomics
Classification: Likely benign. Review status: criteria provided, single submitter. Criteria: ACMG Guidelines, 2015. Collection method: not provided. Allele origin: germline. Inheritance: Autosomal dominant inheritance. Affected: yes.

Clinical Genomics, Uppaluri K&H Personalized Medicine Clinic
Classification: Benign for Systemic lupus erythematosus. Review status: criteria provided, single submitter. Criteria: K & H Uppaluri Personalized Medicine Clinic Variant Classification & Assertion Criteria_Updated V.1. Collection method: research. Allele origin: unknown.
Comment: BLK gene is associated with Systemic lupus erythematosus, sjogren's syndrome and other systemic inflammatory conditions. However no sufficient evidence is found to ascertain the role of this particular variant rs146083915, yet.

Literature cited by the submitters: PubMed 32313195 (cited by Clinical Genomics, Uppaluri K&H Personalized Medicine Clinic); PubMed 19667185 (cited by Clinical Genomics, Uppaluri K&H Personalized Medicine Clinic); PubMed 18204098 (cited by Clinical Genomics, Uppaluri K&H Personalized Medicine Clinic); PubMed 24023612 (cited by Clinical Genomics, Uppaluri K&H Personalized Medicine Clinic); PubMed 31670388 (cited by Clinical Genomics, Uppaluri K&H Personalized Medicine Clinic).